The following is an entry in ClinVar:

NM_175875.5(SIX5):c.1872C>T (p.Pro624=)

Gene: SIX5 (SIX homeobox 5; minus strand). Cytogenetic location: 19q13.32.
Variant type: single nucleotide variant.
Coding change: c.1872C>T on transcript NM_175875.5 (MANE Select); coding-DNA position 1872, C replaced by T.
Protein change: p.Pro624=; no amino-acid change (proline 624 retained).
Molecular consequence: synonymous variant.
Genome position (GRCh38, 1-based): chr19:45,765,849, G>A on the plus strand (C>T on the coding strand, the complement: SIX5 is on the minus strand). VCF-style: chr19-45765849-G-A. GRCh37 (hg19) VCF-style: chr19-46269107-G-A.
Identifiers: ClinVar variation 594728 (VCV000594728.13), dbSNP rs373614429, ClinGen allele CA9520491.

ClinVar aggregate classification (germline): Conflicting classifications of pathogenicity. Review status: criteria provided, conflicting classifications (1 of 4 stars). 4 submissions from 4 submitters: Uncertain significance (1); Likely benign (3). Last evaluated 2025-12-16.

Conditions:
SIX5-related disorder. Also called: SIX5-related condition.

Allele frequency attached by ClinVar (database versions not stated): TOPMed 0.00033; 1000 Genomes Project 0.00040; 1000 Genomes Project 30x 0.00047; ESP Exome Variant Server 0.00047.

Submissions (4):

PreventionGenetics, part of Exact Sciences
Classification: Likely benign for SIX5-related condition. Last evaluated: 2025-12-16. Review status: criteria provided, single submitter. Criteria: ACMG Guidelines, 2015. Collection method: clinical testing. Allele origin: germline.
Comment: This variant is classified as likely benign based on ACMG/AMP sequence variant interpretation guidelines (Richards et al. 2015 PMID: 25741868, with internal and published modifications).

Labcorp Genetics (formerly Invitae), Labcorp
Classification: Likely benign. Last evaluated: 2025-11-22. Review status: criteria provided, single submitter. Criteria: Invitae Variant Classification Sherloc (09022015). Collection method: clinical testing. Allele origin: germline.

GeneDx
Classification: Likely benign. Last evaluated: 2020-05-12. Review status: criteria provided, single submitter. Criteria: GeneDx Variant Classification Process June 2021. Collection method: clinical testing. Allele origin: germline. Affected: yes.

Eurofins Ntd Llc (ga)
Classification: Uncertain significance. Last evaluated: 2017-11-08. Review status: criteria provided, single submitter. Criteria: EGL Classification Definitions 2015. Collection method: clinical testing. Allele origin: germline. Observed: 1 variant allele, 1 heterozygote.